The following is an entry in ClinVar:

NM_144643.4(SCLT1):c.235-1119C>T

Gene: SCLT1 (sodium channel and clathrin linker 1; minus strand). Cytogenetic location: 4q28.2.
Variant type: single nucleotide variant.
Coding change: c.235-1119C>T on transcript NM_144643.4 (MANE Select); 1119 bases into the intron before coding-DNA position 235, C replaced by T.
Molecular consequence: intron variant.
Genome position (GRCh38, 1-based): chr4:129,040,215, G>A on the plus strand (C>T on the coding strand, the complement: SCLT1 is on the minus strand). VCF-style: chr4-129040215-G-A. GRCh37 (hg19) VCF-style: chr4-129961370-G-A.
Other names: c.235-1119C>T (NM_001410807.1, NM_001300898.2); c.235-3C>T (NM_001300897.2).
Identifiers: ClinVar variation 5000875 (VCV005000875.1).

ClinVar aggregate classification (germline): Uncertain significance (1 of 4 stars; one submission).

Conditions:
SCLT1-related disorder. Also called: SCLT1-related condition.

Submission:

PreventionGenetics, part of Exact Sciences
Classification: Uncertain significance for SCLT1-related condition. Last evaluated: 2024-10-13. Review status: criteria provided, single submitter. Criteria: ACMG Guidelines, 2015. Collection method: clinical testing. Allele origin: germline.
Comment: The SCLT1 c.235-3C>T variant is predicted to interfere with splicing. To our knowledge, this variant has not been reported in the literature or in a large population database (gnomAD), indicating this variant is rare. At this time, the clinical significance of this variant is uncertain due to the absence of conclusive functional and genetic evidence.